The following is an entry in ClinVar:

ClinVar aggregate classification (germline): Likely pathogenic (1 of 4 stars; one submission).

Conditions:
Fraser syndrome 1 (FRASRS1). Also called: CRYPTOPHTHALMOS WITH OTHER MALFORMATIONS. Identifiers: Orphanet 2052, MedGen C4551480, MONDO:0054737, OMIM 219000.

gnomAD v4.1: 1 of 1,601,078 alleles (0.000062%); highest among the groups gnomAD compares: Non-Finnish European, 0.000085%; no homozygotes.

Submission:

Gharavi Laboratory, Columbia University
Classification: Likely pathogenic for Fraser syndrome 1. Last evaluated: 2024-11-05. Review status: criteria provided, single submitter. Criteria: ACMG Guidelines, 2015. Collection method: case-control. Allele origin: germline. Affected: yes.
Comment: Compound heterozygote with NM_025074.7:c.6963_6964dupGG

ENST00000264895

NM_025074.7(FRAS1):c.2138-1G>C

Gene: FRAS1 (Fraser extracellular matrix complex subunit 1; plus strand). Cytogenetic location: 4q21.21.
Variant type: single nucleotide variant.
Coding change: c.2138-1G>C on transcript NM_025074.7 (MANE Select); the canonical splice acceptor site of the intron before coding-DNA position 2138, G replaced by C.
Molecular consequence: splice acceptor variant.
Genome position (GRCh38, 1-based): chr4:78,333,271, G>C. VCF-style: chr4-78333271-G-C. GRCh37 (hg19) VCF-style: chr4-79254425-G-C.
Other names: c.2138-1G>C (NM_001166133.2).
Identifiers: ClinVar variation 3900000 (VCV003900000.1).